The following is an entry in ClinVar:

ClinVar aggregate classification (germline): Uncertain significance (1 of 4 stars; one submission).

Conditions:
Inborn genetic diseases. Identifiers: MedGen C0950123, MeSH D030342.

Submission:

Ambry Genetics
Classification: Uncertain significance for Inborn genetic diseases. Last evaluated: 2025-10-05. Review status: criteria provided, single submitter. Criteria: Ambry Variant Classification Scheme 2023. Collection method: clinical testing. Allele origin: germline.
Comment: The p.G232S variant (also known as c.694G>A), located in coding exon 2 of the GATA2 gene, results from a G to A substitution at nucleotide position 694. The glycine at codon 232 is replaced by serine, an amino acid with similar properties. This amino acid position is conserved. In addition, this alteration is predicted to be tolerated by in silico analysis. Based on the available evidence, the clinical significance of this variant remains unclear.

NM_032638.5(GATA2):c.694G>A (p.Gly232Ser)

Gene: GATA2 (GATA binding protein 2; minus strand). Cytogenetic location: 3q21.3.
Variant type: single nucleotide variant.
Coding change: c.694G>A on transcript NM_032638.5 (MANE Select); coding-DNA position 694, G replaced by A.
Protein change: p.Gly232Ser; replaces glycine 232 with serine.
Molecular consequence: missense variant.
Genome position (GRCh38, 1-based): chr3:128,485,904, C>T on the plus strand (G>A on the coding strand, the complement: GATA2 is on the minus strand). VCF-style: chr3-128485904-C-T. GRCh37 (hg19) VCF-style: chr3-128204747-C-T.
Other names: c.694G>A, p.Gly232Ser (NM_001145661.2, NM_001145662.1); short protein forms G232S.
Identifiers: ClinVar variation 4620626 (VCV004620626.1).